The following is an entry in ClinVar:

NM_199420.4(POLQ):c.5002T>A (p.Leu1668Met)

Gene: POLQ (DNA polymerase theta; minus strand). Cytogenetic location: 3q13.33.
Variant type: single nucleotide variant.
Coding change: c.5002T>A on transcript NM_199420.4 (MANE Select); coding-DNA position 5002, T replaced by A.
Protein change: p.Leu1668Met; replaces leucine 1668 with methionine.
Molecular consequence: missense variant.
Genome position (GRCh38, 1-based): chr3:121,487,929, A>T on the plus strand (T>A on the coding strand, the complement: POLQ is on the minus strand). VCF-style: chr3-121487929-A-T. GRCh37 (hg19) VCF-style: chr3-121206776-A-T.
Other names: short protein forms L1668M.
Identifiers: ClinVar variation 3230032 (VCV003230032.1), dbSNP rs2546785266, ClinGen allele CA354092564.

ClinVar aggregate classification (germline): Uncertain significance (1 of 4 stars; one submission).

Submission:

Ambry Genetics
Classification: Uncertain significance. Last evaluated: 2024-03-08. Review status: criteria provided, single submitter. Criteria: Ambry Variant Classification Scheme 2023. Collection method: clinical testing. Allele origin: germline.
Comment: The p.L1668M variant (also known as c.5002T>A), located in coding exon 16 of the POLQ gene, results from a T to A substitution at nucleotide position 5002. The leucine at codon 1668 is replaced by methionine, an amino acid with highly similar properties. This amino acid position is conserved. In addition, this alteration is predicted to be tolerated by in silico analysis. Based on the available evidence, the clinical significance of this alteration remains unclear.